The following is an entry in ClinVar:

NM_001374504.1(TMPRSS6):c.2010_2018del (p.Arg671_Ala673del)

Gene: TMPRSS6 (transmembrane serine protease 6; minus strand). Cytogenetic location: 22q12.3.
Variant type: Deletion.
Coding change: c.2010_2018del on transcript NM_001374504.1 (MANE Select); coding-DNA positions 2010 to 2018, 9 bases deleted (GCGCTCGGC; older notation c.2010_2018delGCGCTCGGC).
Protein change: p.Arg671_Ala673del.
Molecular consequence: inframe deletion.
Genome position (GRCh38, 1-based): chr22:37,069,168-37,069,176, GCCGAGCGC deleted on the plus strand (GCGCTCGGC on the coding strand, the reverse complement: TMPRSS6 is on the minus strand). VCF-style (leftmost placement, unchanged base first): chr22-37069167-GGCCGAGCGC-G. GRCh37 (hg19) VCF-style: chr22-37465207-GGCCGAGCGC-G.
Other names: c.2010_2018del, p.Arg671_Ala673del (NM_001289000.2, NM_001289001.2, NM_153609.4).
Identifiers: ClinVar variation 4633296 (VCV004633296.1).

ClinVar aggregate classification (germline): Uncertain significance (1 of 4 stars; one submission).

Conditions:
Inborn genetic diseases. Identifiers: MedGen C0950123, MeSH D030342.

Submission:

Ambry Genetics
Classification: Uncertain significance for Inborn genetic diseases. Last evaluated: 2025-12-08. Review status: criteria provided, single submitter. Criteria: Ambry Variant Classification Scheme 2023. Collection method: clinical testing. Allele origin: germline.
Comment: The c.2037_2045delGCGCTCGGC (p.R680_A682del) alteration, located in exon 16 (coding exon 16) of the TMPRSS6 gene, results from an in-frame deletion of 9 nucleotides between nucleotide positions c.2037 and c.2045. This results in the deletion of 3 amino acids between codons 680 and 682. This variant was not reported in population-based cohorts in the Genome Aggregation Database (gnomAD). This amino acid position is not well conserved in available vertebrate species. This alteration is predicted to be deleterious by in silico analysis (Choi, 2012). Based on insufficient or conflicting evidence, the clinical significance of this alteration remains unclear.